The following is an entry in ClinVar:

ClinVar aggregate classification (germline): Uncertain significance (1 of 4 stars; one submission).

Conditions:
Inborn genetic diseases. Identifiers: MedGen C0950123, MeSH D030342.

Submission:

Ambry Genetics
Classification: Uncertain significance for Inborn genetic diseases. Last evaluated: 2019-03-01. Review status: criteria provided, single submitter. Criteria: Ambry Variant Classification Scheme 2023. Collection method: clinical testing. Allele origin: germline.
Comment: The p.Y1281C variant (also known as c.3842A>G), located in coding exon 12 of the GRIN2B gene, results from an A to G substitution at nucleotide position 3842. The tyrosine at codon 1281 is replaced by cysteine, an amino acid with highly dissimilar properties. This amino acid position is highly conserved in available vertebrate species. In addition, the in silico prediction for this alteration is inconclusive. Since supporting evidence is limited at this time, the clinical significance of this alteration remains unclear.

NM_000834.5(GRIN2B):c.3842A>G (p.Tyr1281Cys)

Gene: GRIN2B (glutamate ionotropic receptor NMDA type subunit 2B; minus strand). Cytogenetic location: 12p13.1.
Variant type: single nucleotide variant.
Coding change: c.3842A>G on transcript NM_000834.5 (MANE Select); coding-DNA position 3842, A replaced by G.
Protein change: p.Tyr1281Cys; replaces tyrosine 1281 with cysteine.
Molecular consequence: missense variant.
Genome position (GRCh38, 1-based): chr12:13,563,396, T>C on the plus strand (A>G on the coding strand, the complement: GRIN2B is on the minus strand). VCF-style: chr12-13563396-T-C. GRCh37 (hg19) VCF-style: chr12-13716330-T-C.
Other names: c.3842A>G, p.Tyr1281Cys (NM_001413992.1); short protein forms Y1281C.
Identifiers: ClinVar variation 1735445 (VCV001735445.2), dbSNP rs2497466947, ClinGen allele CA383987389.
Genomic context (GRCh38, chr12:13,563,396, plus strand): 5'-TGCCGGCGCAGTTTGTTCCGGTTCTTCTTCTGGGCCTTGGAATTAGTCGGGCTCTGAGGG[T>C]ACTTAGTGGTGGAGGCGTTTGACGTCACCGCCACTGGGGCAGCCGGCTGGTCCAGTTCCT-3'
Protein context (NP_000825.2, residues 1271-1291): AVTSNASTTK[Tyr1281Cys]PQSPTNSKAQ